The following is an entry in ClinVar:

NM_013339.4(ALG6):c.429+1G>T

Gene: ALG6 (ALG6 alpha-1,3-glucosyltransferase; plus strand). Cytogenetic location: 1p31.3.
Variant type: single nucleotide variant.
Coding change: c.429+1G>T on transcript NM_013339.4 (MANE Select); the canonical splice donor site of the intron after coding-DNA position 429, G replaced by T.
Molecular consequence: splice donor variant.
Genome position (GRCh38, 1-based): chr1:63,406,400, G>T. VCF-style: chr1-63406400-G-T. GRCh37 (hg19) VCF-style: chr1-63872071-G-T.
Identifiers: ClinVar variation 553556 (VCV000553556.13), dbSNP rs781097055, ClinGen allele CA888161.

ClinVar aggregate classification (germline): Likely pathogenic. Review status: criteria provided, multiple submitters, no conflicts (2 of 4 stars). 5 submissions from 5 submitters: Likely pathogenic (4). 1 of the submissions does not count toward it. Last evaluated 2026-03-30.

Conditions:
ALG6-congenital disorder of glycosylation 1C (CDG1C). Also called: Congenital disorder of glycosylation, type Ic; CARBOHYDRATE-DEFICIENT GLYCOPROTEIN SYNDROME, TYPE I, WITH DEFICIENT GLYCOSYLATION OF DOLICHOL-LINKED OLIGOSACCHARIDE; CARBOHYDRATE-DEFICIENT GLYCOPROTEIN SYNDROME, TYPE V; Congenital disorder of glycosylation type 1C; CDG Ic. Identifiers: Orphanet 79320, MedGen C2930997, MONDO:0011291, OMIM 603147.

Allele frequency attached by ClinVar (database versions not stated): gnomAD exomes below 0.00001 and 0.00001; ExAC 0.00001; gnomAD 0.00001; TOPMed 0.00001.

Submissions (5):

GeneDx
Classification: Likely pathogenic. Last evaluated: 2026-03-30. Review status: criteria provided, single submitter. Criteria: GeneDx Variant Classification Process June 2021. Collection method: clinical testing. Allele origin: germline.
Comment: Canonical splice site variant predicted to result in a null allele in a gene for which loss of function is a known mechanism of disease; Not observed at significant frequency in large population cohorts (gnomAD); Has not been previously published as pathogenic or benign to our knowledge

Labcorp Genetics (formerly Invitae), Labcorp
Classification: Likely pathogenic for ALG6-congenital disorder of glycosylation 1C. Last evaluated: 2025-12-05. Review status: criteria provided, single submitter. Criteria: Invitae Variant Classification Sherloc (09022015). Collection method: clinical testing. Allele origin: germline.
Comment: This sequence change affects a donor splice site in intron 6 of the ALG6 gene. It is expected to disrupt RNA splicing. Variants that disrupt the donor or acceptor splice site typically lead to a loss of protein function (PMID: 16199547), and loss-of-function variants in ALG6 are known to be pathogenic (PMID: 19862844). This variant is present in population databases (rs781097055, gnomAD 0.005%). This variant has not been reported in the literature in individuals affected with ALG6-related conditions. ClinVar contains an entry for this variant (Variation ID: 553556). Algorithms developed to predict the effect of sequence changes on RNA splicing suggest that this variant may disrupt the consensus splice site. In summary, the currently available evidence indicates that the variant is pathogenic, but additional data are needed to prove that conclusively. Therefore, this variant has been classified as Likely Pathogenic.

Natera, Inc.
Classification: Likely pathogenic for Congenital disorder of glycosylation type 1c. Last evaluated: 2025-09-22. Review status: criteria provided, single submitter. Criteria: Natera Variant Classification Schema (03/2026). Collection method: clinical testing. Allele origin: germline.
Comment: The c.429+1G>T variant in ALG6 is a canonical splice donor site variant predicted to affect pre-mRNA splicing, which may result in an abnormal transcript and altered protein product. This variant is expected to result in nonsense mediated decay, truncation, or a dysfunctional protein product. This variant is rare in the general population with a frequency below the threshold expected for the associated phenotype(s). Given the available evidence, this variant is classified as Likely Pathogenic.

Revvity Omics, Revvity
Classification: Likely pathogenic for ALG6-congenital disorder of glycosylation 1C. Last evaluated: 2023-05-11. Review status: criteria provided, single submitter. Criteria: ACMG Guidelines, 2015. Collection method: clinical testing. Allele origin: germline.

Counsyl
Classification: Likely pathogenic for ALG6-congenital disorder of glycosylation 1C. Last evaluated: 2017-08-29. Review status: no assertion criteria provided. Collection method: clinical testing. Allele origin: unknown. Not counted in ClinVar's aggregate classification.

Literature cited by the submitters: PubMed 16199547 (cited by Labcorp Genetics (formerly Invitae), Labcorp); PubMed 19862844 (cited by Labcorp Genetics (formerly Invitae), Labcorp).